The following is an entry in ClinVar:

ClinVar aggregate classification (germline): Uncertain significance. Review status: criteria provided, multiple submitters, no conflicts (2 of 4 stars). 2 submissions from 2 submitters: Uncertain significance (2). Last evaluated 2026-06-10.

Allele frequency attached by ClinVar (database versions not stated): gnomAD exomes 0.00001; TOPMed 0.00002; ExAC 0.00003; gnomAD 0.00001.

Submissions (2):

Women's Health and Genetics/Laboratory Corporation of America, LabCorp
Classification: Uncertain significance. Last evaluated: 2026-06-10. Review status: criteria provided, single submitter. Criteria: LabCorp Variant Classification Summary - May 2015. Collection method: clinical testing. Allele origin: germline.
Comment: Variant summary: SLC34A3 c.908C>T (p.Pro303Leu) results in a non-conservative amino acid change in the encoded protein sequence. Algorithms developed to predict the effect of missense changes on protein structure and function are either unavailable or do not agree on the potential impact of this missense change. The variant allele was found at a frequency of 5.5e-05 in 216498 control chromosomes. This frequency is not significantly higher than estimated for disease-causing variants in SLC34A3, allowing no conclusion about variant significance. To our knowledge, no occurrence of c.908C>T in individuals affected with SLC34A3-related conditions and no experimental evidence demonstrating its impact on protein function have been reported. ClinVar contains an entry for this variant (Variation ID: 1907031). Based on the evidence outlined above, the variant was classified as uncertain significance.

Labcorp Genetics (formerly Invitae), Labcorp
Classification: Uncertain significance. Last evaluated: 2025-08-11. Review status: criteria provided, single submitter. Criteria: Invitae Variant Classification Sherloc (09022015). Collection method: clinical testing. Allele origin: germline.
Comment: This sequence change replaces proline, which is neutral and non-polar, with leucine, which is neutral and non-polar, at codon 303 of the SLC34A3 protein (p.Pro303Leu). This variant is present in population databases (rs765413882, gnomAD 0.03%). This variant has not been reported in the literature in individuals affected with SLC34A3-related conditions. ClinVar contains an entry for this variant (Variation ID: 1907031). An algorithm developed to predict the effect of missense changes on protein structure and function outputs the following: PolyPhen-2: "Benign". The leucine amino acid residue is found in multiple mammalian species, which suggests that this missense change does not adversely affect protein function. In summary, the available evidence is currently insufficient to determine the role of this variant in disease. Therefore, it has been classified as a Variant of Uncertain Significance.

NM_001177316.2(SLC34A3):c.908C>T (p.Pro303Leu)

Gene: SLC34A3 (solute carrier family 34 member 3; plus strand). Cytogenetic location: 9q34.3.
Variant type: single nucleotide variant.
Coding change: c.908C>T on transcript NM_001177316.2 (MANE Select); coding-DNA position 908, C replaced by T.
Protein change: p.Pro303Leu; replaces proline 303 with leucine.
Molecular consequence: missense variant.
Genome position (GRCh38, 1-based): chr9:137,233,924, C>T. VCF-style: chr9-137233924-C-T. GRCh37 (hg19) VCF-style: chr9-140128376-C-T.
Other names: c.908C>T, p.Pro303Leu (NM_001177317.2, NM_080877.3); short protein forms P303L.
Identifiers: ClinVar variation 1907031 (VCV001907031.6), dbSNP rs765413882, ClinGen allele CA5364653.
Genomic context (GRCh38, chr9:137,233,924, plus strand): 5'-CCCAGGAGAACAGCAGCTGTGGCGCCTTCGGCCCGTGCACAGAGAAGAACAGCACAGCCC[C>T]GGCGGACAGGCTGCCCTGTGAGGCCCGGCCCACCCCAAGCCCCCTACACCCCCCACACTC-3'
Protein context (NP_001170787.2, residues 293-313): GPCTEKNSTA[Pro303Leu]ADRLPCRHLF